The following is an entry in ClinVar:

NM_145698.5(ACBD5):c.359T>C (p.Val120Ala)

Gene: ACBD5 (acyl-CoA binding domain containing 5; minus strand). Cytogenetic location: 10p12.1.
Variant type: single nucleotide variant.
Coding change: c.359T>C on transcript NM_145698.5 (MANE Select); coding-DNA position 359, T replaced by C.
Protein change: p.Val120Ala; replaces valine 120 with alanine.
Molecular consequence: missense variant.
Genome position (GRCh38, 1-based): chr10:27,231,764, A>G on the plus strand (T>C on the coding strand, the complement: ACBD5 is on the minus strand). VCF-style: chr10-27231764-A-G. GRCh37 (hg19) VCF-style: chr10-27520693-A-G.
Other names: c.254T>C, p.Val85Ala (NM_001042473.4, NM_001352574.2, NM_001352575.2 and 6 more transcripts); c.353T>C, p.Val118Ala (NM_001271512.3, NM_001352571.1, NM_001352586.1 and 1 more transcripts); c.32T>C, p.Val11Ala (NM_001301251.2, NM_001301252.2, NM_001301253.2 and 4 more transcripts); c.380T>C, p.Val127Ala (NM_001352568.1, NM_001352572.1); c.359T>C, p.Val120Ala (NM_001352569.1, NM_001352570.1, NM_001352573.1 and 2 more transcripts); short protein forms V127A, V11A, V120A, V118A, V85A.
Identifiers: ClinVar variation 1494726 (VCV001494726.8), dbSNP rs751857303, ClinGen allele CA5450983.
Genomic context (GRCh38, chr10:27,231,764, plus strand): 5'-AGCTGCTCTGAATTTTCATTTTAACTGTGAATTATTTTCCCTACCTTTTTCATTTCTTCA[A>G]CATATGCAATCATGGCTTCCTCTTTGGTCATATCACCCAGTGAACTCCAAGCATCCCTAG-3'
Protein context (NP_663736.2, residues 110-130): MTKEEAMIAY[Val120Ala]EEMKKIIETM

ClinVar aggregate classification (germline): Uncertain significance (1 of 4 stars; one submission).

Allele frequency attached by ClinVar (database versions not stated): gnomAD exomes 0.00001; TOPMed 0.00001; ExAC 0.00002.

Submission:

Labcorp Genetics (formerly Invitae), Labcorp
Classification: Uncertain significance. Last evaluated: 2024-10-26. Review status: criteria provided, single submitter. Criteria: Invitae Variant Classification Sherloc (09022015). Collection method: clinical testing. Allele origin: germline.
Comment: This sequence change replaces valine, which is neutral and non-polar, with alanine, which is neutral and non-polar, at codon 120 of the ACBD5 protein (p.Val120Ala). This variant is present in population databases (rs751857303, gnomAD 0.01%). This variant has not been reported in the literature in individuals affected with ACBD5-related conditions. ClinVar contains an entry for this variant (Variation ID: 1494726). Invitae Evidence Modeling of protein sequence and biophysical properties (such as structural, functional, and spatial information, amino acid conservation, physicochemical variation, residue mobility, and thermodynamic stability) indicates that this missense variant is expected to disrupt ACBD5 protein function with a positive predictive value of 80%. In summary, the available evidence is currently insufficient to determine the role of this variant in disease. Therefore, it has been classified as a Variant of Uncertain Significance.